The following is an entry in ClinVar:

NM_004783.4(TAOK2):c.3038del (p.Gly1013fs)

Gene: TAOK2 (TAO kinase 2; plus strand). Cytogenetic location: 16p11.2.
Variant type: Deletion.
Coding change: c.3038del on transcript NM_004783.4; coding-DNA position 3038, one base deleted (G; older notation c.3038delG).
Protein change: p.Gly1013fs; shifts the reading frame from glycine 1013.
Molecular consequence: frameshift variant.
Genome position (GRCh38, 1-based): chr16:29,991,456, G deleted; the last of 6 consecutive G bases (chr16:29,991,451-29,991,456); deleting any one gives the same sequence. VCF-style (leftmost placement, unchanged base first): chr16-29991450-CG-C. GRCh37 (hg19) VCF-style: chr16-30002771-CG-C.
Other names: short protein forms G1013fs.
Identifiers: ClinVar variation 2631329 (VCV002631329.1), dbSNP rs902954499, ClinGen allele CA645583032.

ClinVar aggregate classification (germline): Uncertain significance (1 of 4 stars; one submission).

Conditions:
TAOK2-related disorder. Also called: TAOK2-related condition.

Submission:

PreventionGenetics, part of Exact Sciences
Classification: Uncertain significance for TAOK2-related condition. Last evaluated: 2023-07-24. Review status: criteria provided, single submitter. Criteria: ACMG Guidelines, 2015. Collection method: clinical testing. Allele origin: germline.
Comment: The TAOK2 c.3038delG variant is predicted to result in a frameshift and premature protein termination (p.Gly1013Alafs*18). To our knowledge, this variant has not been reported in the literature or in a large population database, indicating this variant is rare. At this time, the clinical significance of this variant is uncertain due to the absence of conclusive functional and genetic evidence.